The following is an entry in ClinVar:

ClinVar aggregate classification (germline): Uncertain significance. Review status: criteria provided, multiple submitters, no conflicts (2 of 4 stars). 8 submissions from 8 submitters: Uncertain significance (7). 1 of the submissions does not count toward it. Last evaluated 2025-06-20.

Conditions:
Autosomal dominant polycystic kidney disease. Identifiers: Orphanet 730, MedGen C0085413, MONDO:0004691.
Polycystic kidney disease. Also called: Polycystic kidney dysplasia; Kidney, Polycystic. Identifiers: MedGen C0022680, MeSH D007690, MONDO:0020642, HP:0000113.
Polycystic kidney disease, adult type (PKD1). Also called: POLYCYSTIC KIDNEY DISEASE, ADULT, TYPE I; Polycystic Kidney, Autosomal Dominant; POLYCYSTIC KIDNEY DISEASE 1 WITH OR WITHOUT POLYCYSTIC LIVER DISEASE; Polycystic Kidney Disease 1, Autosomal Dominant; Polycystic kidney disease 1; Polycystic kidney disease 1, severe. Identifiers: MedGen C3149841, MONDO:0008263, OMIM 173900.

Submissions (8):

Women's Health and Genetics/Laboratory Corporation of America, LabCorp
Classification: Uncertain significance. Last evaluated: 2025-06-20. Review status: criteria provided, single submitter. Criteria: LabCorp Variant Classification Summary - May 2015. Collection method: clinical testing. Allele origin: germline.
Comment: Variant summary: PKD1 c.8291T>C (p.Met2764Thr) results in a non-conservative amino acid change in the encoded protein sequence. Algorithms developed to predict the effect of missense changes on protein structure and function are either unavailable or do not agree on the potential impact of this missense change. The frequency data for this variant in gnomAD is considered unreliable, as metrics indicate poor data quality at this position. c.8291T>C has been observed in individuals affected with Polycystic Kidney Disease without strong evidence of causality (Watnick_1997, Chang_2013, Poli_2024). These reports do not provide unequivocal conclusions about association of the variant with Polycystic Kidney Disease. To our knowledge, no experimental evidence demonstrating an impact on protein function has been reported. The following publications have been ascertained in the context of this evaluation (PMID: 9285784, 23985799, 38177409). ClinVar contains an entry for this variant (Variation ID: 976837). Based on the evidence outlined above, the variant was classified as uncertain significance.

Blueprint Genetics
Classification: Uncertain significance. Last evaluated: 2024-03-06. Review status: criteria provided, single submitter. Criteria: ACMG Guidelines, 2015. Collection method: clinical testing. Allele origin: germline.

DECIPHERD-UDD, Universidad del Desarrollo
Classification: Uncertain significance for Polycystic kidney disease, adult type. Last evaluated: 2023-07-01. Review status: criteria provided, single submitter. Criteria: ACMG Guidelines, 2015. Collection method: research. Allele origin: maternal. Affected: yes.

GeneDx
Classification: Uncertain significance. Last evaluated: 2022-11-04. Review status: criteria provided, single submitter. Criteria: GeneDx Variant Classification Process June 2021. Collection method: clinical testing. Allele origin: germline. Affected: yes.
Comment: Not observed at significant frequency in large population cohorts (gnomAD); In silico analysis supports that this missense variant has a deleterious effect on protein structure/function; This variant is associated with the following publications: (PMID: 18791038, 23985799, 33437033, 9285784)

Fulgent Genetics
Classification: Uncertain significance for Polycystic kidney disease, adult type. Last evaluated: 2022-02-11. Review status: criteria provided, single submitter. Criteria: ACMG Guidelines, 2015. Collection method: clinical testing. Allele origin: unknown.

Victorian Clinical Genetics Services, Murdoch Childrens Research Institute
Classification: Uncertain significance for Polycystic kidney disease, adult type. Last evaluated: 2020-05-21. Review status: criteria provided, single submitter. Criteria: ACMG Guidelines, 2015. Collection method: clinical testing. Allele origin: germline. Inheritance: Autosomal dominant inheritance. Affected: yes.
Comment: A heterozygous missense variant was identified, NM_001009944.2(PKD1):c.8291T>C in exon 23 of the PKD1 gene. This substitution is predicted to create a moderate amino acid change from a methionine to a threonine at position 2764 of the protein; NP_001009944.2(PKD1):p.(Met2764Thr). The methionine at this position has low conservation (100 vertebrates, UCSC), and is not situated in a known functional domain (NCBI, PDB). In silico software predictions of the pathogenicity of this variant are conflicting (PolyPhen2, PROVEAN, MutationAssessor, FATHMM). The variant is not present in the gnomAD population database. This variant has been previously reported in individuals who also carries multiple other PKD1 variants (Chang, M.Y. et al. (2013)) including p.Met2760Thr (Watnick, T.J. et al. (1997); Symmons, O. et al. (2008)). Authors suggest this might be due to a gene conversion event (Symmons, O. et al. (2008); Araç, D. et al. (2012)) and that it is hard to establish pathogenicity without further evidence (Watnick, T.J. et al. (1997)). A different variant in the same codon resulting in a change to a lysine has been regarded as a ‘weak mutation’ (Heyer, C.M. et al. (2016)). Based on information available at the time of curation, this variant has been classified as a VUS with POTENTIAL CLINICAL RELEVANCE CLINICAL RELEVANCE.

Molecular Genetics of Inherited Kidney Disorders Laboratory, Garvan Institute of Medical Research
Classification: Uncertain significance for Autosomal dominant polycystic kidney disease. Last evaluated: 2019-01-01. Review status: criteria provided, single submitter. Criteria: ACMG Guidelines, 2015. Collection method: research. Allele origin: germline. Affected: yes.

Department of Pathology and Laboratory Medicine, Sinai Health System
Classification: Uncertain significance for Polycystic Kidney disease. Review status: no assertion criteria provided. Collection method: clinical testing. Allele origin: unknown. Affected: yes. Study: The Canadian Open Genetics Repository (COGR). Not counted in ClinVar's aggregate classification.
Comment: The PKD1 p.Met2764Thr variant was identified in 2 of 160 proband chromosomes (frequency: 0.0125) from individuals or families with ADPKD and was not identified in 100 control chromosomes from healthy individuals; both affected individuals also carried the PKD1 variants c.8279T>C, p.Met2760Thr and c.8282G>C, p.Arg2761Pro (Watnick 1997). The variant was also identified in LOVD 3.0 database 2X with no additional information provided. The variant was not identified in dbSNP, ClinVar, COGR, ADPKD Mutation and PKD1-LOVD databases. The variant was not identified in the 1000 Genomes Project, the NHLBI GO Exome Sequencing Project or the Exome Aggregation Consortium (August 8th 2016) control databases. The p.Met2764Thr residue is conserved in in mammals but not in more distantly related organisms and 4 out of 5 computational analyses (PolyPhen-2, SIFT, AlignGVGD, BLOSUM, MutationTaster) suggest a high likelihood of impact to the protein; this information is not predictive enough to assume pathogenicity. The variant occurs outside of the splicing consensus sequence and in silico or computational prediction software programs (SpliceSiteFinder, MaxEntScan, NNSPLICE, GeneSplicer, HumanSpliceFinder) do not predict a difference in splicing. In summary, based on the above information the clinical significance of this variant cannot be determined with certainty at this time. This variant is classified as a variant of uncertain significance.

Literature cited by the submitters: PubMed 23985799 (cited by Women's Health and Genetics/Laboratory Corporation of America, LabCorp and Victorian Clinical Genetics Services, Murdoch Childrens Research Institute); PubMed 9285784 (cited by Women's Health and Genetics/Laboratory Corporation of America, LabCorp and Victorian Clinical Genetics Services, Murdoch Childrens Research Institute); PubMed 38177409 (cited by Women's Health and Genetics/Laboratory Corporation of America, LabCorp and DECIPHERD-UDD, Universidad del Desarrollo); PubMed 18791038 (cited by Victorian Clinical Genetics Services, Murdoch Childrens Research Institute); PubMed 22333914 (cited by Victorian Clinical Genetics Services, Murdoch Childrens Research Institute); PubMed 26823553 (cited by Victorian Clinical Genetics Services, Murdoch Childrens Research Institute).

NM_001009944.3(PKD1):c.8291T>C (p.Met2764Thr)

Gene: PKD1 (polycystin 1, transient receptor potential channel interacting; minus strand). Cytogenetic location: 16p13.3.
Variant type: single nucleotide variant.
Coding change: c.8291T>C on transcript NM_001009944.3 (MANE Select); coding-DNA position 8291, T replaced by C.
Protein change: p.Met2764Thr; replaces methionine 2764 with threonine.
Molecular consequence: missense variant.
Genome position (GRCh38, 1-based): chr16:2,103,766, A>G on the plus strand (T>C on the coding strand, the complement: PKD1 is on the minus strand). VCF-style: chr16-2103766-A-G. GRCh37 (hg19) VCF-style: chr16-2153767-A-G.
Other names: c.8291T>C, p.Met2764Thr (NM_000296.4); short protein forms M2764T.
Identifiers: ClinVar variation 976837 (VCV000976837.8), dbSNP rs1596527405, ClinGen allele CA394364784.